The following is an entry in ClinVar:

NM_012471.3(TRPC5):c.1524C>T (p.Ile508=)

Gene: TRPC5 (transient receptor potential cation channel subfamily C member 5; minus strand). Cytogenetic location: Xq23.
Variant type: single nucleotide variant.
Coding change: c.1524C>T on transcript NM_012471.3 (MANE Select); coding-DNA position 1524, C replaced by T.
Protein change: p.Ile508=; no amino-acid change (isoleucine 508 retained).
Molecular consequence: synonymous variant.
Genome position (GRCh38, 1-based): chrX:111,847,290, G>A on the plus strand (C>T on the coding strand, the complement: TRPC5 is on the minus strand). VCF-style: chrX-111847290-G-A. GRCh37 (hg19) VCF-style: chrX-111090518-G-A.
Identifiers: ClinVar variation 4978424 (VCV004978424.1).
Genomic context (GRCh38, chrX:111,847,290, plus strand): 5'-TAGTACCAGGCAGTAGATAAAGAGGAATTTGAGGATATCAAGCAGCATGCGTCCCAAAGA[G>A]ATCTGCAGAGGTCCTAAGTGGGAGTTGGCTGTGAACAGGGATATGAGACGCAACGAACTT-3'
Protein context (NP_036603.1, residues 498-518): TANSHLGPLQ[Ile508=]SLGRMLLDIL

ClinVar aggregate classification (germline): Likely benign (1 of 4 stars; one submission).

Conditions:
TRPC5-related disorder. Also called: TRPC5-related condition.

Submission:

PreventionGenetics, part of Exact Sciences
Classification: Likely benign for TRPC5-related condition. Last evaluated: 2026-04-30. Review status: criteria provided, single submitter. Criteria: ACMG Guidelines, 2015. Collection method: clinical testing. Allele origin: germline.
Comment: This variant is classified as likely benign based on ACMG/AMP sequence variant interpretation guidelines (Richards et al. 2015 PMID: 25741868, with internal and published modifications).